The following is an entry in ClinVar:

ClinVar aggregate classification (germline): Uncertain significance (1 of 4 stars; one submission).

Conditions:
Bethlem myopathy 1A. Also called: MYOPATHY, BENIGN CONGENITAL, WITH CONTRACTURES; Bethlem Muscular Dystrophy; Bethlem myopathy 1. Identifiers: Orphanet 610, MedGen CN029274, MONDO:0024530, OMIM 158810.

Allele frequency attached by ClinVar (database versions not stated): gnomAD exomes 0.00001; gnomAD 0.00002; 1000 Genomes Project 0.00040; 1000 Genomes Project 30x 0.00047; TOPMed below 0.00001.

Submission:

Labcorp Genetics (formerly Invitae), Labcorp
Classification: Uncertain significance for Bethlem myopathy 1A. Last evaluated: 2021-04-30. Review status: criteria provided, single submitter. Criteria: Invitae Variant Classification Sherloc (09022015). Collection method: clinical testing. Allele origin: germline.
Comment: In summary, the available evidence is currently insufficient to determine the role of this variant in disease. Therefore, it has been classified as a Variant of Uncertain Significance. Advanced modeling of protein sequence and biophysical properties (such as structural, functional, and spatial information, amino acid conservation, physicochemical variation, residue mobility, and thermodynamic stability) performed at Invitae indicates that this missense variant is not expected to disrupt COL6A3 protein function. This variant has not been reported in the literature in individuals with COL6A3-related conditions. This variant is not present in population databases (ExAC no frequency). This sequence change replaces glutamic acid with lysine at codon 52 of the COL6A3 protein (p.Glu52Lys). The glutamic acid residue is weakly conserved and there is a small physicochemical difference between glutamic acid and lysine.

NM_004369.4(COL6A3):c.154G>A (p.Glu52Lys)

Gene: COL6A3 (collagen type VI alpha 3 chain; minus strand). Cytogenetic location: 2q37.3.
Variant type: single nucleotide variant.
Coding change: c.154G>A on transcript NM_004369.4 (MANE Select); coding-DNA position 154, G replaced by A.
Protein change: p.Glu52Lys; replaces glutamic acid 52 with lysine.
Molecular consequence: missense variant. On other transcripts: intron variant (4).
Genome position (GRCh38, 1-based): chr2:237,395,142, C>T on the plus strand (G>A on the coding strand, the complement: COL6A3 is on the minus strand). VCF-style: chr2-237395142-C-T. GRCh37 (hg19) VCF-style: chr2-238303785-C-T.
Other names: c.91+1585G>A (NM_057166.5, NM_057167.4, NM_057164.5 and 1 more transcripts); short protein forms E52K.
Identifiers: ClinVar variation 1432425 (VCV001432425.8), dbSNP rs188510971, ClinGen allele CA67842512.
Genomic context (GRCh38, chr2:237,395,142, plus strand): 5'-CCACAGCTAAGGATTTTACAACATCATATAGAAACTCTCGAACAAGTTGGAAATGTTCCT[C>T]TCCAATGGTCCAAGAGGAATCCACTAGAAATATTATATCAGCAGCCGCACCATTTTTGAC-3'
Protein context (NP_004360.2, residues 42-62): FLVDSSWTIG[Glu52Lys]EHFQLVREFL